The following is an entry in ClinVar:

NM_000321.3(RB1):c.456G>A (p.Leu152=)

Gene: RB1 (RB transcriptional corepressor 1; plus strand). Cytogenetic location: 13q14.2.
Variant type: single nucleotide variant.
Coding change: c.456G>A on transcript NM_000321.3 (MANE Select); coding-DNA position 456, G replaced by A.
Protein change: p.Leu152=; no amino-acid change (leucine 152 retained).
Molecular consequence: synonymous variant.
Genome position (GRCh38, 1-based): chr13:48,345,155, G>A. VCF-style: chr13-48345155-G-A. GRCh37 (hg19) VCF-style: chr13-48919291-G-A.
Other names: c.456G>A, p.Leu152= (NM_001407165.1, NM_001407166.1).
Identifiers: ClinVar variation 3787282 (VCV003787282.2).

ClinVar aggregate classification (germline): Benign/Likely benign. Review status: criteria provided, multiple submitters, no conflicts (2 of 4 stars). 2 submissions from 2 submitters: Benign (1); Likely benign (1). Last evaluated 2026-06-23.

Conditions:
Retinoblastoma (RB1). Also called: RETINOBLASTOMA, SOMATIC. Identifiers: Orphanet 790, MedGen C0035335, MeSH D012175, MONDO:0008380, OMIM 180200, HP:0009919. Disease mechanism: loss of function. Inheritance: Both sporadic and heritable forms are tested..
Hereditary cancer-predisposing syndrome. Also called: Neoplastic Syndromes, Hereditary; Tumor predisposition; Hereditary Cancer Syndrome; Hereditary neoplastic syndrome. Identifiers: Orphanet 140162, MedGen C0027672, MeSH D009386, MONDO:0015356.

gnomAD v4.1: 1 of 1,612,834 alleles (0.000062%); highest among the groups gnomAD compares: Non-Finnish European, 0.000085%; no homozygotes.

Submissions (2):

Myriad Genetics, Inc.
Classification: Benign for Retinoblastoma. Last evaluated: 2026-06-23. Review status: criteria provided, single submitter. Criteria: Myriad Autosomal Dominant, Autosomal Recessive and X-Linked Classification Criteria (2023). Collection method: clinical testing. Allele origin: unknown.
Comment: This variant is considered benign. This variant is a silent/synonymous amino acid change and it is not expected to impact splicing.

Ambry Genetics
Classification: Likely benign for Hereditary cancer-predisposing syndrome. Last evaluated: 2025-02-04. Review status: criteria provided, single submitter. Criteria: Ambry Variant Classification Scheme 2023. Collection method: clinical testing. Allele origin: germline.